The following is an entry in ClinVar:

NM_000138.5(FBN1):c.783T>C (p.Asn261=)

Gene: FBN1 (fibrillin 1; minus strand). Cytogenetic location: 15q21.1.
Variant type: single nucleotide variant.
Coding change: c.783T>C on transcript NM_000138.5 (MANE Select); coding-DNA position 783, T replaced by C.
Protein change: p.Asn261=; no amino-acid change (asparagine 261 retained).
Molecular consequence: synonymous variant.
Genome position (GRCh38, 1-based): chr15:48,534,159, A>G on the plus strand (T>C on the coding strand, the complement: FBN1 is on the minus strand). VCF-style: chr15-48534159-A-G. GRCh37 (hg19) VCF-style: chr15-48826356-A-G.
Identifiers: ClinVar variation 237105 (VCV000237105.71), dbSNP rs113721547, ClinGen allele CA059270.

ClinVar aggregate classification (germline): Conflicting classifications of pathogenicity. Review status: criteria provided, conflicting classifications (1 of 4 stars). 20 submissions from 14 submitters: Uncertain significance (1); Benign (8); Likely benign (9). 2 of the submissions do not count toward it. Last evaluated 2026-09-21.

Conditions:
Weill-Marchesani syndrome. Also called: WM Syndrome; Mesodermal dysmorphodystrophy congenital. Identifiers: Orphanet 3449, MedGen C0265313, MONDO:0018096.
Geleophysic dysplasia. Identifiers: Orphanet 2623, MedGen C3489726, MONDO:0000127.
Familial thoracic aortic aneurysm and aortic dissection (TAAD). Also called: Thoracic aortic aneurysms and dissections. Identifiers: Orphanet 91387, MedGen C4707243, MONDO:0019625.
Marfan syndrome (MFS). Also called: FBN1-Related Marfan Syndrome; Marfan syndrome type 1; MARFAN SYNDROME, TYPE I; Marfan's syndrome; Marfan syndrome, classic. Identifiers: Orphanet 284963, Orphanet 558, MedGen C0024796, MONDO:0007947, OMIM 154700.
Acromicric dysplasia (ACMICD). Also called: Acromicric skeletal dysplasia. Identifiers: Orphanet 969, MedGen C0265287, MONDO:0007055, OMIM 102370.
Stiff skin syndrome (SSKS). Identifiers: Orphanet 2833, MedGen C1861456, MONDO:0008492, OMIM 184900.
Ectopia lentis 1, isolated, autosomal dominant (ECTOL1). Identifiers: Orphanet 1885, MedGen C3541518, MONDO:0007514, OMIM 129600.

Allele frequency attached by ClinVar (database versions not stated): gnomAD 0.00088 and 0.00091; gnomAD exomes 0.00109; ESP Exome Variant Server 0.00069; TOPMed 0.00070; ExAC 0.00086; 1000 Genomes Project 30x 0.00047; 1000 Genomes Project 0.00060.
gnomAD v4.1: 1,550 of 1,613,660 alleles (0.096%); highest among the groups gnomAD compares: Non-Finnish European, 0.1%; 1 homozygote.

Submissions (20):

Molecular Diagnostic Laboratory for Inherited Cardiovascular Disease, Montreal Heart Institute
Classification: Likely benign. Last evaluated: 2026-09-21. Review status: criteria provided, single submitter. Criteria: ACMG Guidelines, 2015. Collection method: clinical testing. Allele origin: germline. Affected: no.
Comment: BS1;BP7

CeGaT Center for Human Genetics Tuebingen
Classification: Likely benign. Last evaluated: 2026-09-01. Review status: criteria provided, single submitter. Criteria: CeGaT Center For Human Genetics Tuebingen Variant Classification Criteria Version 2. Collection method: clinical testing. Allele origin: germline. Affected: yes. Observed: 11 variant alleles.
Comment: FBN1: BP4, BS2

Labcorp Genetics (formerly Invitae), Labcorp
Classification: Benign for Marfan syndrome; Familial thoracic aortic aneurysm and aortic dissection. Last evaluated: 2026-02-01. Review status: criteria provided, single submitter. Criteria: Invitae Variant Classification Sherloc (09022015). Collection method: clinical testing. Allele origin: germline.

ARUP Laboratories, Molecular Genetics and Genomics, ARUP Laboratories
Classification: Likely benign. Last evaluated: 2025-07-07. Review status: criteria provided, single submitter. Criteria: ARUP Molecular Germline Variant Investigation Process 2024. Collection method: clinical testing. Allele origin: germline.

Blueprint Genetics
Classification: Likely benign. Last evaluated: 2024-11-25. Review status: criteria provided, single submitter. Criteria: ACMG Guidelines, 2015. Collection method: clinical testing. Allele origin: germline.

GeneDx
Classification: Likely benign. Last evaluated: 2020-12-28. Review status: criteria provided, single submitter. Criteria: GeneDx Variant Classification Process June 2021. Collection method: clinical testing. Allele origin: germline. Affected: yes.
Comment: This variant is associated with the following publications: (PMID: 26787436)

CHEO Genetics Diagnostic Laboratory, Children's Hospital of Eastern Ontario
Classification: Benign for Familial thoracic aortic aneurysm and aortic dissection. Last evaluated: 2018-06-06. Review status: criteria provided, single submitter. Criteria: ACMG Guidelines, 2015. Collection method: clinical testing. Allele origin: germline.

Color Diagnostics, LLC DBA Color Health
Classification: Benign for Familial thoracic aortic aneurysm and aortic dissection. Last evaluated: 2018-03-08. Review status: criteria provided, single submitter. Criteria: ACMG Guidelines, 2015. Collection method: clinical testing. Allele origin: germline.

Illumina Laboratory Services, Illumina
Classification: Likely benign for Marfan syndrome. Last evaluated: 2018-01-13. Review status: criteria provided, single submitter. Criteria: ICSL Variant Classification Criteria 13 December 2019. Collection method: clinical testing. Allele origin: germline.
Comment: This variant was observed in the ICSL laboratory as part of a predisposition screen in an ostensibly healthy population. It had not been previously curated by ICSL or reported in the Human Gene Mutation Database (HGMD: prior to June 1st, 2018), and was therefore a candidate for classification through an automated scoring system. Utilizing variant allele frequency, disease prevalence and penetrance estimates, and inheritance mode, an automated score was calculated to assess if this variant is too frequent to cause the disease. Based on the score and internal cut-off values, a variant classified as likely benign is not then subjected to further curation. The score for this variant resulted in a classification of likely benign for this disease.

Illumina Laboratory Services, Illumina
Classification: Benign for Weill-Marchesani syndrome. Last evaluated: 2018-01-13. Review status: criteria provided, single submitter. Criteria: ICSL Variant Classification Criteria 13 December 2019. Collection method: clinical testing. Allele origin: germline.
Comment: This variant was observed in the ICSL laboratory as part of a predisposition screen in an ostensibly healthy population. It had not been previously curated by ICSL or reported in the Human Gene Mutation Database (HGMD: prior to June 1st, 2018), and was therefore a candidate for classification through an automated scoring system. Utilizing variant allele frequency, disease prevalence and penetrance estimates, and inheritance mode, an automated score was calculated to assess if this variant is too frequent to cause the disease. Based on the score and internal cut-off values, a variant classified as benign is not then subjected to further curation. The score for this variant resulted in a classification of benign for this disease.

Illumina Laboratory Services, Illumina
Classification: Uncertain significance for Familial thoracic aortic aneurysm and aortic dissection. Last evaluated: 2018-01-13. Review status: criteria provided, single submitter. Criteria: ICSL Variant Classification Criteria 13 December 2019. Collection method: clinical testing. Allele origin: germline.

Illumina Laboratory Services, Illumina
Classification: Benign for Stiff skin syndrome. Last evaluated: 2018-01-13. Review status: criteria provided, single submitter. Criteria: ICSL Variant Classification Criteria 13 December 2019. Collection method: clinical testing. Allele origin: germline.
Comment: the same text as in the submission from Illumina Laboratory Services, Illumina above.

Illumina Laboratory Services, Illumina
Classification: Benign for Geleophysic dysplasia. Last evaluated: 2018-01-13. Review status: criteria provided, single submitter. Criteria: ICSL Variant Classification Criteria 13 December 2019. Collection method: clinical testing. Allele origin: germline.
Comment: the same text as in the submission from Illumina Laboratory Services, Illumina above.

Illumina Laboratory Services, Illumina
Classification: Benign for Ectopia lentis 1, isolated, autosomal dominant. Last evaluated: 2018-01-13. Review status: criteria provided, single submitter. Criteria: ICSL Variant Classification Criteria 13 December 2019. Collection method: clinical testing. Allele origin: germline.
Comment: the same text as in the submission from Illumina Laboratory Services, Illumina above.

Illumina Laboratory Services, Illumina
Classification: Benign for Acromicric dysplasia. Last evaluated: 2018-01-13. Review status: criteria provided, single submitter. Criteria: ICSL Variant Classification Criteria 13 December 2019. Collection method: clinical testing. Allele origin: germline.
Comment: the same text as in the submission from Illumina Laboratory Services, Illumina above.

Eurofins Ntd Llc (ga)
Classification: Likely benign. Last evaluated: 2016-07-07. Review status: criteria provided, single submitter. Criteria: EGL Classification Definitions 2015. Collection method: clinical testing. Allele origin: germline. Observed: 1 variant allele, 1 heterozygote.

Ambry Genetics
Classification: Likely benign for Familial thoracic aortic aneurysm and aortic dissection. Last evaluated: 2016-01-08. Review status: criteria provided, single submitter. Criteria: Ambry Variant Classification Scheme 2023. Collection method: clinical testing. Allele origin: germline.

PreventionGenetics, part of Exact Sciences
Classification: Likely benign. Review status: criteria provided, single submitter. Criteria: ACMG Guidelines, 2015. Collection method: clinical testing. Allele origin: germline.

Clinical Genetics DNA and cytogenetics Diagnostics Lab, Erasmus MC, Erasmus Medical Center
Classification: Likely benign. Review status: no assertion criteria provided. Collection method: clinical testing. Allele origin: germline. Affected: yes. Study: VKGL Data-share Consensus. Not counted in ClinVar's aggregate classification.

Genome Diagnostics Laboratory, Amsterdam University Medical Center
Classification: Benign. Review status: no assertion criteria provided. Collection method: clinical testing. Allele origin: germline. Affected: yes. Study: VKGL Data-share Consensus. Not counted in ClinVar's aggregate classification.